The following is an entry in ClinVar:

ClinVar aggregate classification (germline): Uncertain significance (1 of 4 stars; one submission).

Allele frequency attached by ClinVar (database versions not stated): gnomAD exomes 0.00001; ExAC 0.00002; gnomAD 0.00002; TOPMed 0.00002.
gnomAD v4.1: 24 of 1,571,654 alleles (0.0015%); highest among the groups gnomAD compares: Admixed American, 0.0036%; no homozygotes.

Submission:

Labcorp Genetics (formerly Invitae), Labcorp
Classification: Uncertain significance. Last evaluated: 2024-05-28. Review status: criteria provided, single submitter. Criteria: Invitae Variant Classification Sherloc (09022015). Collection method: clinical testing. Allele origin: germline.
Comment: This sequence change replaces arginine, which is basic and polar, with tryptophan, which is neutral and slightly polar, at codon 27 of the DYNC1I1 protein (p.Arg27Trp). This variant is present in population databases (rs756972511, gnomAD 0.004%). This variant has not been reported in the literature in individuals affected with DYNC1I1-related conditions. ClinVar contains an entry for this variant (Variation ID: 2051910). An algorithm developed to predict the effect of missense changes on protein structure and function (PolyPhen-2) suggests that this variant is likely to be disruptive. In summary, the available evidence is currently insufficient to determine the role of this variant in disease. Therefore, it has been classified as a Variant of Uncertain Significance.

NM_001135556.2(DYNC1I1):c.79C>T (p.Arg27Trp)

Gene: DYNC1I1 (dynein cytoplasmic 1 intermediate chain 1; plus strand). Cytogenetic location: 7q21.3.
Variant type: single nucleotide variant.
Coding change: c.79C>T on transcript NM_001135556.2 (MANE Select); coding-DNA position 79, C replaced by T.
Protein change: p.Arg27Trp; replaces arginine 27 with tryptophan.
Molecular consequence: missense variant.
Genome position (GRCh38, 1-based): chr7:95,804,808, C>T. VCF-style: chr7-95804808-C-T. GRCh37 (hg19) VCF-style: chr7-95434120-C-T.
Other names: c.79C>T, p.Arg27Trp (NM_001135557.2, NM_001278421.2, NM_001278422.2 and 1 more transcripts); short protein forms R27W.
Identifiers: ClinVar variation 2051910 (VCV002051910.4), dbSNP rs756972511, ClinGen allele CA4352095.